The following is an entry in ClinVar:

ClinVar aggregate classification (germline): Uncertain significance (1 of 4 stars; one submission).

gnomAD v4.1: 9 of 1,614,036 alleles (0.00056%); highest among the groups gnomAD compares: South Asian, 0.0022%; no homozygotes.

Submission:

Women's Health and Genetics/Laboratory Corporation of America, LabCorp
Classification: Uncertain significance. Last evaluated: 2026-02-09. Review status: criteria provided, single submitter. Criteria: LabCorp Variant Classification Summary - May 2015. Collection method: clinical testing. Allele origin: germline.
Comment: Variant summary: SETX c.4418G>A (p.Arg1473His) results in a non-conservative amino acid change in the encoded protein sequence. Algorithms developed to predict the effect of missense changes on protein structure and function are either unavailable or do not agree on the potential impact of this missense change. The variant allele was found at a frequency of 1.2e-05 in 251402 control chromosomes. The available data on variant occurrences in the general population are insufficient to allow any conclusion about variant significance. To our knowledge, no occurrence of c.4418G>A in individuals affected with SETX-related conditions and no experimental evidence demonstrating its impact on protein function have been reported. No submitters have cited clinical-significance assessments for this variant to ClinVar. Based on the evidence outlined above, the variant was classified as uncertain significance.

NM_015046.7(SETX):c.4418G>A (p.Arg1473His)

Gene: SETX (senataxin; minus strand). Cytogenetic location: 9q34.13.
Variant type: single nucleotide variant.
Coding change: c.4418G>A on transcript NM_015046.7 (MANE Select); coding-DNA position 4418, G replaced by A.
Protein change: p.Arg1473His; replaces arginine 1473 with histidine.
Molecular consequence: missense variant.
Genome position (GRCh38, 1-based): chr9:132,327,180, C>T on the plus strand (G>A on the coding strand, the complement: SETX is on the minus strand). VCF-style: chr9-132327180-C-T. GRCh37 (hg19) VCF-style: chr9-135202567-C-T.
Other names: c.4418G>A, p.Arg1473His (NM_001351527.2, NM_001351528.2); short protein forms R1473H.
Identifiers: ClinVar variation 4847984 (VCV004847984.1).
Genomic context (GRCh38, chr9:132,327,180, plus strand): 5'-TCCTCTGCATCACTGCTGGAGTCAGGCTCTCCTTCTTTCAAAGCTGCCATCTCTATATGA[C>T]GTGCTGTTGGATCACCTCCACCCAGAGGGTCTTCTGAAGTGGAGACAATTACTTCATTTG-3'
Protein context (NP_055861.3, residues 1463-1483): DPLGGGDPTA[Arg1473His]HIEMAALKEG